The following is an entry in ClinVar:

NM_005993.5(TBCD):c.1731-3C>T

Gene: TBCD (tubulin folding cofactor D). Cytogenetic location: 17q25.3.
Variant type: single nucleotide variant.
Coding change: c.1731-3C>T on transcript NM_005993.5 (MANE Select); 3 bases into the intron before coding-DNA position 1731, C replaced by T.
Molecular consequence: intron variant.
Genome position (GRCh38, 1-based): chr17:82,903,402, C>T. VCF-style: chr17-82903402-C-T. GRCh37 (hg19) VCF-style: chr17-80861278-C-T.
Identifiers: ClinVar variation 777262 (VCV000777262.12), dbSNP rs74001705, ClinGen allele CA8862743.

ClinVar aggregate classification (germline): Benign. Review status: criteria provided, single submitter (1 of 4 stars). 2 submissions from 2 submitters: Benign (1). 1 of the submissions does not count toward it. Last evaluated 2026-01-28.

Conditions:
TBCD-related disorder. Also called: TBCD-related condition.

Allele frequency attached by ClinVar (database versions not stated): gnomAD exomes 0.00272; ExAC 0.00708; ESP Exome Variant Server 0.01071; 1000 Genomes Project 0.01078; 1000 Genomes Project 30x 0.01109; gnomAD 0.01112 and 0.01188; TOPMed 0.01260.
gnomAD v4.1: 3,311 of 1,600,620 alleles (0.21%); highest among the groups gnomAD compares: African/African-American, 3.8%; 57 homozygotes.

Submissions (2):

Labcorp Genetics (formerly Invitae), Labcorp
Classification: Benign. Last evaluated: 2026-01-28. Review status: criteria provided, single submitter. Criteria: Invitae Variant Classification Sherloc (09022015). Collection method: clinical testing. Allele origin: germline.

PreventionGenetics, part of Exact Sciences
Classification: Benign for TBCD-related condition. Last evaluated: 2024-02-02. Review status: no assertion criteria provided. Collection method: clinical testing. Allele origin: germline. Not counted in ClinVar's aggregate classification.
Comment: This variant is classified as benign based on ACMG/AMP sequence variant interpretation guidelines (Richards et al. 2015 PMID: 25741868, with internal and published modifications).